The following is an entry in ClinVar:

ClinVar aggregate classification (germline): Conflicting classifications of pathogenicity. Review status: criteria provided, conflicting classifications (1 of 4 stars). 4 submissions from 4 submitters: Uncertain significance (3); Benign (1). Last evaluated 2026-01-26.

Conditions:
Tuberous sclerosis 2 (TSC2). Identifiers: Orphanet 805, MedGen C1860707, MONDO:0013199, OMIM 613254.
Tuberous sclerosis syndrome (TSC). Also called: Tuberous Sclerosis Complex; Tuberous sclerosis. Identifiers: Orphanet 805, MedGen C0041341, MONDO:0001734.
Hereditary cancer-predisposing syndrome. Also called: Neoplastic Syndromes, Hereditary; Tumor predisposition; Hereditary Cancer Syndrome; Hereditary neoplastic syndrome. Identifiers: Orphanet 140162, MedGen C0027672, MeSH D009386, MONDO:0015356.

Allele frequency attached by ClinVar (database versions not stated): gnomAD exomes below 0.00001; gnomAD 0.00001; TOPMed 0.00002.
gnomAD v4.1: 3 of 1,612,726 alleles (0.00019%); highest among the groups gnomAD compares: African/African-American, 0.004%; no homozygotes.

Submissions (4):

Labcorp Genetics (formerly Invitae), Labcorp
Classification: Benign for Tuberous sclerosis 2. Last evaluated: 2026-01-26. Review status: criteria provided, single submitter. Criteria: Invitae Variant Classification Sherloc (09022015). Collection method: clinical testing. Allele origin: germline.

All of Us Research Program, National Institutes of Health
Classification: Uncertain significance for Tuberous sclerosis syndrome. Last evaluated: 2024-09-23. Review status: criteria provided, single submitter. Criteria: ACMG Guidelines, 2015. Collection method: clinical testing. Allele origin: germline. Inheritance: Autosomal dominant inheritance. Observed: 2 variant alleles, 2 heterozygotes.
Comment: This missense variant replaces glutamic acid with glycine at codon 942 of the TSC2 protein. Computational prediction suggests that this variant may have deleterious impact on protein structure and function. To our knowledge, functional studies have not been reported for this variant. This variant has not been reported in individuals affected with tuberous sclerosis complex in the literature. This variant has been identified in 1/250418 chromosomes in the general population by the Genome Aggregation Database (gnomAD). The available evidence is insufficient to determine the role of this variant in disease conclusively. Therefore, this variant is classified as a Variant of Uncertain Significance.

This study involves interpretation of variants in research participants for the purpose of population health screening. Participant phenotype was not available at the time of variant classification. Additional details can be found in publication PMID: 35346344, PMCID: PMC8962531

Ambry Genetics
Classification: Uncertain significance for Hereditary cancer-predisposing syndrome. Last evaluated: 2024-08-21. Review status: criteria provided, single submitter. Criteria: Ambry Variant Classification Scheme 2023. Collection method: clinical testing. Allele origin: germline.
Comment: The p.E942G variant (also known as c.2825A>G), located in coding exon 24 of the TSC2 gene, results from an A to G substitution at nucleotide position 2825. The glutamic acid at codon 942 is replaced by glycine, an amino acid with similar properties. This amino acid position is highly conserved in available vertebrate species. In addition, this alteration is predicted to be deleterious by in silico analysis. Since supporting evidence is limited at this time, the clinical significance of this alteration remains unclear.

Genome-Nilou Lab
Classification: Uncertain significance for Tuberous sclerosis 2. Last evaluated: 2021-11-07. Review status: criteria provided, single submitter. Criteria: ACMG Guidelines, 2015. Collection method: clinical testing. Allele origin: germline. Affected: no.

NM_000548.5(TSC2):c.2825A>G (p.Glu942Gly)

Gene: TSC2 (TSC complex subunit 2; plus strand). Cytogenetic location: 16p13.3.
Variant type: single nucleotide variant.
Coding change: c.2825A>G on transcript NM_000548.5 (MANE Select); coding-DNA position 2825, A replaced by G.
Protein change: p.Glu942Gly; replaces glutamic acid 942 with glycine.
Molecular consequence: missense variant.
Genome position (GRCh38, 1-based): chr16:2,076,573, A>G. VCF-style: chr16-2076573-A-G. GRCh37 (hg19) VCF-style: chr16-2126574-A-G.
Other names: c.2825A>G, p.Glu942Gly (NM_001077183.3, NM_001114382.3, NM_001363528.2 and 3 more transcripts); c.2714A>G, p.Glu905Gly (NM_001318827.2); c.2678A>G, p.Glu893Gly (NM_001318829.2); c.2225A>G, p.Glu742Gly (NM_001318831.2); c.2858A>G, p.Glu953Gly (NM_001318832.2); short protein forms E942G, E742G, E905G, E893G, E953G.
Identifiers: ClinVar variation 535970 (VCV000535970.17), dbSNP rs1018951391, ClinGen allele CA276742132.